The following is an entry in ClinVar:

ClinVar aggregate classification (germline): Pathogenic. Review status: reviewed by expert panel (3 of 4 stars). 6 submissions from 6 submitters: Pathogenic (1). 5 of the submissions do not count toward it. Last evaluated 2021-08-27.

Conditions:
Glycogen storage disease, type II (IOPD). Also called: POMPE DISEASE, INFANTILE-ONSET; GLYCOGEN STORAGE DISEASE II, INFANTILE-ONSET; ACID ALPHA-GLUCOSIDASE DEFICIENCY, INFANTILE-ONSET; GAA DEFICIENCY, INFANTILE-ONSET; ACID MALTASE DEFICIENCY, INFANTILE-ONSET; CARDIOMEGALIA GLYCOGENICA DIFFUSA. Identifiers: Orphanet 365, MedGen C0017921, MONDO:0009290, OMIM 232300.

Submissions (6):

ClinGen Lysosomal Storage Disorder Variant Curation Expert Panel
Classification: Pathogenic for Glycogen storage disease, type II. Last evaluated: 2021-08-27. Review status: reviewed by expert panel. Criteria: clingen_lsd_acmg_specifications_v2-1. Collection method: curation. Allele origin: germline. Inheritance: Autosomal recessive inheritance.
Comment: The NM_000152.5:c.2300del (p.Phe767SerfsTer14) variant in GAA is a frameshift variant predicted to cause a premature stop codon in biologically-relevant-exon 17/20, leading to nonsense mediated decay in a gene in which loss-of-function is an established disease mechanism. Western blot of protein from the cultured skin fibroblasts of a patient with this variant showed no GAA cross-reactive material i.e. CRIM-negative (PMID: 22252923), supporting that c.2300del is a loss of function variant (PVS1). This patient has <1% normal GAA activity in skin fibroblasts (PP4_Moderate) and is homozygous for the variant (PMID: 22252923, personal communication) (PM3_Supporting). A patient with Pompe disease who is heterozygous for the variant has been reported but further details are unavailable and the second variant was not reported (PMID: 18425781). The variant is absent in gnomAD v2.1.1 (PM2_Supporting). There is a ClinVar entry for this variant (Variation ID: 555341; 1 star review status) with one submitter classifying the variant as pathogenic and one as likely pathogenic. In summary, this variant meets the criteria to be classified as pathogenic for Pompe disease. GAA-specific ACMG/AMP criteria met, based on the specifications of the ClinGen LSD VCEP (Specifications Version 2.0): PVS1, PP4_Moderate, PM2_Supporting, PM3_Supporting.

Genomenon, Inc
Classification: Pathogenic for Glycogen storage disease, type II. Last evaluated: 2026-07-01. Review status: criteria provided, single submitter. Criteria: Genomenon Sequence Variant Interpretation Standards - Updated. Collection method: curation. Allele origin: germline. Affected: yes. Not counted in ClinVar's aggregate classification.
Comment: GAA p.Phe767SerfsTer14 (c.2300del) is a frameshift variant that is predicted to introduce a premature termination codon and result in a truncated or absent protein product. This variant has been observed in at least one proband with a GAA-related disorder (PMID:22252923). It is absent or not present at a significant frequency in gnomAD. In conclusion, we classify GAA p.Phe767SerfsTer14 (c.2300del) as a pathogenic variant.

Natera, Inc.
Classification: Pathogenic for Glycogen storage disease type II. Last evaluated: 2025-02-03. Review status: criteria provided, single submitter. Criteria: Natera Variant Classification Schema (03/2026). Collection method: clinical testing. Allele origin: germline. Not counted in ClinVar's aggregate classification.
Comment: The c.2300delT variant in GAA is a frameshift variant predicted to shift the reading frame beginning at codon 767 and leads to a stop codon 14 codons downstream. This variant is expected to result in a truncated or dysfunctional protein product. This variant is rare in the general population with a frequency below the threshold expected for the associated phenotype(s). This variant has been observed in one or more individuals affected with the associated recessive disease, as either homozygous or compound heterozygous with a second variant (PMID: 22252923). This variant has been identified in one or more affected individual with a phenotype highly consistent with the associated gene (PMID:22252923). Given the available evidence, this variant is classified as Pathogenic.

Labcorp Genetics (formerly Invitae), Labcorp
Classification: Pathogenic for Glycogen storage disease, type II. Last evaluated: 2022-06-17. Review status: criteria provided, single submitter. Criteria: Invitae Variant Classification Sherloc (09022015). Collection method: clinical testing. Allele origin: germline. Not counted in ClinVar's aggregate classification.
Comment: This premature translational stop signal has been observed in individual(s) with GAA-related conditions (PMID: 18425781, 22252923). This sequence change creates a premature translational stop signal (p.Phe767Serfs*14) in the GAA gene. It is expected to result in an absent or disrupted protein product. Loss-of-function variants in GAA are known to be pathogenic (PMID: 18425781, 22252923). This variant is not present in population databases (gnomAD no frequency). ClinVar contains an entry for this variant (Variation ID: 555341). For these reasons, this variant has been classified as Pathogenic.

Revvity Omics, Revvity
Classification: Pathogenic. Last evaluated: 2021-11-22. Review status: criteria provided, single submitter. Criteria: ACMG Guidelines, 2015. Collection method: clinical testing. Allele origin: germline. Not counted in ClinVar's aggregate classification.

Counsyl
Classification: Likely pathogenic for Glycogen storage disease, type II. Last evaluated: 2017-12-01. Review status: no assertion criteria provided. Collection method: clinical testing. Allele origin: unknown. Not counted in ClinVar's aggregate classification.

Literature cited by the submitters: PubMed 22252923 (cited by 4 submitters); PubMed 18425781 (cited by Labcorp Genetics (formerly Invitae), Labcorp and Counsyl).

NM_000152.5(GAA):c.2300del (p.Phe767fs)

Gene: GAA (alpha glucosidase; plus strand). Cytogenetic location: 17q25.3.
Variant type: Deletion.
Coding change: c.2300del on transcript NM_000152.5 (MANE Select); coding-DNA position 2300, one base deleted (T; older notation c.2300delT).
Protein change: p.Phe767fs; shifts the reading frame from phenylalanine 767.
Molecular consequence: frameshift variant.
Genome position (GRCh38, 1-based): chr17:80,117,078, T deleted; the last of 2 consecutive T bases (chr17:80,117,077-80,117,078); deleting either gives the same sequence. VCF-style (leftmost placement, unchanged base first): chr17-80117076-CT-C. GRCh37 (hg19) VCF-style: chr17-78090875-CT-C.
Other names: NM_000152.5(GAA):c.2300del; p.Phe767fs; c.2300del (LRG_673t1); c.2300del, p.Phe767fs (NM_001079803.3, NM_001079804.3); c.2300delT (NM_000152.4); short protein forms F767fs.
Identifiers: ClinVar variation 555341 (VCV000555341.18), dbSNP rs1555602692, ClinGen allele CA658795282.